The following is an entry in ClinVar:

ClinVar aggregate classification (germline): Uncertain significance. Review status: criteria provided, multiple submitters, no conflicts (2 of 4 stars). 5 submissions from 5 submitters: Uncertain significance (4). 1 of the submissions does not count toward it. Last evaluated 2025-10-06.

Conditions:
Inborn genetic diseases. Identifiers: MedGen C0950123, MeSH D030342.
Ehlers-Danlos syndrome, dermatosparaxis type. Also called: Dermatosparaxis; EDS VIIC; Ehlers-Danlos syndrome, type VII, autosomal recessive. Identifiers: Orphanet 1901, MedGen C2700425, MONDO:0009161, OMIM 225410.

Allele frequency attached by ClinVar (database versions not stated): gnomAD 0.00001; gnomAD exomes 0.00001; TOPMed 0.00001.
gnomAD v4.1: 11 of 1,607,830 alleles (0.00068%); highest among the groups gnomAD compares: African/African-American, 0.0013%; no homozygotes.

Submissions (5):

Mayo Clinic Laboratories, Mayo Clinic
Classification: Uncertain significance. Last evaluated: 2025-10-06. Review status: criteria provided, single submitter. Criteria: ACMG Guidelines, 2015. Collection method: clinical testing. Allele origin: germline. Observed: 1 variant allele.

Ambry Genetics
Classification: Uncertain significance for Inborn genetic diseases. Last evaluated: 2025-06-22. Review status: criteria provided, single submitter. Criteria: Ambry Variant Classification Scheme 2023. Collection method: clinical testing. Allele origin: germline.

GeneDx
Classification: Uncertain significance. Last evaluated: 2025-06-17. Review status: criteria provided, single submitter. Criteria: GeneDx Variant Classification Process June 2021. Collection method: clinical testing. Allele origin: germline. Affected: yes.
Comment: Not observed at significant frequency in large population cohorts (gnomAD); In silico analysis supports that this missense variant has a deleterious effect on protein structure/function; Has not been previously published as pathogenic or benign to our knowledge

Labcorp Genetics (formerly Invitae), Labcorp
Classification: Uncertain significance for Ehlers-Danlos syndrome, dermatosparaxis type. Last evaluated: 2021-08-27. Review status: criteria provided, single submitter. Criteria: Invitae Variant Classification Sherloc (09022015). Collection method: clinical testing. Allele origin: germline.
Comment: This sequence change replaces arginine with tryptophan at codon 968 of the ADAMTS2 protein (p.Arg968Trp). The arginine residue is highly conserved and there is a moderate physicochemical difference between arginine and tryptophan. This variant is not present in population databases (ExAC no frequency). This variant has not been reported in the literature in individuals affected with ADAMTS2-related conditions. Algorithms developed to predict the effect of missense changes on protein structure and function (SIFT, PolyPhen-2, Align-GVGD) all suggest that this variant is likely to be disruptive. In summary, the available evidence is currently insufficient to determine the role of this variant in disease. Therefore, it has been classified as a Variant of Uncertain Significance.

Natera, Inc.
Classification: Uncertain significance for Ehlers-Danlos syndrome type VIIC. Last evaluated: 2020-04-29. Review status: no assertion criteria provided. Collection method: clinical testing. Allele origin: germline. Not counted in ClinVar's aggregate classification.

NM_014244.5(ADAMTS2):c.2902C>T (p.Arg968Trp)

Gene: ADAMTS2 (ADAM metallopeptidase with thrombospondin type 1 motif 2; minus strand). Cytogenetic location: 5q35.3.
Variant type: single nucleotide variant.
Coding change: c.2902C>T on transcript NM_014244.5 (MANE Select); coding-DNA position 2902, C replaced by T.
Protein change: p.Arg968Trp; replaces arginine 968 with tryptophan.
Molecular consequence: missense variant.
Genome position (GRCh38, 1-based): chr5:179,125,029, G>A on the plus strand (C>T on the coding strand, the complement: ADAMTS2 is on the minus strand). VCF-style: chr5-179125029-G-A. GRCh37 (hg19) VCF-style: chr5-178552030-G-A.
Other names: p.Arg968Trp; short protein forms R968W.
Identifiers: ClinVar variation 967774 (VCV000967774.9), dbSNP rs1473580610, ClinGen allele CA362420057.